The following is an entry in ClinVar:

NM_206933.4(USH2A):c.2167+5G>T

Gene: USH2A (usherin; minus strand). Cytogenetic location: 1q41.
Variant type: single nucleotide variant.
Coding change: c.2167+5G>T on transcript NM_206933.4 (MANE Select); 5 bases into the intron after coding-DNA position 2167, G replaced by T.
Molecular consequence: intron variant.
Genome position (GRCh38, 1-based): chr1:216,250,898, C>A on the plus strand (G>T on the coding strand, the complement: USH2A is on the minus strand). VCF-style: chr1-216250898-C-A. GRCh37 (hg19) VCF-style: chr1-216424240-C-A.
Other names: c.2167+5G>T (NM_007123.6).
Identifiers: ClinVar variation 3618815 (VCV003618815.2).

ClinVar aggregate classification (germline): Likely pathogenic (1 of 4 stars; one submission).

Submission:

Labcorp Genetics (formerly Invitae), Labcorp
Classification: Likely pathogenic. Last evaluated: 2025-11-05. Review status: criteria provided, single submitter. Criteria: Invitae Variant Classification Sherloc (09022015). Collection method: clinical testing. Allele origin: germline.
Comment: This sequence change falls in intron 12 of the USH2A gene. It does not directly change the encoded amino acid sequence of the USH2A protein. It affects a nucleotide within the consensus splice site. This variant is not present in population databases (gnomAD no frequency). This variant has been observed in individual(s) with retinitis pigmentosa (internal data). In at least one individual the data is consistent with being in trans (on the opposite chromosome) from a pathogenic variant. ClinVar contains an entry for this variant (Variation ID: 3618815). Variants that disrupt the consensus splice site are a relatively common cause of aberrant splicing (PMID: 17576681, 9536098). Algorithms developed to predict the effect of sequence changes on RNA splicing suggest that this variant may disrupt the consensus splice site. This variant disrupts the c.2167+5G nucleotide in the USH2A gene. Other variant(s) that disrupt this nucleotide have been determined to be pathogenic (PMID: 12112664, 21151602, 30190494). This suggests that this nucleotide is clinically significant, and that variants that disrupt this position are likely to be disease-causing. In summary, the currently available evidence indicates that the variant is pathogenic, but additional data are needed to prove that conclusively. Therefore, this variant has been classified as Likely Pathogenic.

Literature cited by the submitters: PubMed 17576681; PubMed 9536098; PubMed 12112664; PubMed 21151602; PubMed 30190494.